The following is an entry in ClinVar:

NM_000138.5(FBN1):c.4847T>A (p.Leu1616Gln)

Gene: FBN1 (fibrillin 1; minus strand). Cytogenetic location: 15q21.1.
Variant type: single nucleotide variant.
Coding change: c.4847T>A on transcript NM_000138.5 (MANE Select); coding-DNA position 4847, T replaced by A.
Protein change: p.Leu1616Gln; replaces leucine 1616 with glutamine.
Molecular consequence: missense variant.
Genome position (GRCh38, 1-based): chr15:48,465,663, A>T on the plus strand (T>A on the coding strand, the complement: FBN1 is on the minus strand). VCF-style: chr15-48465663-A-T. GRCh37 (hg19) VCF-style: chr15-48757860-A-T.
Other names: c.4847T>A, p.Leu1616Gln (NM_001406716.1); short protein forms L1616Q.
Identifiers: ClinVar variation 2950872 (VCV002950872.3), dbSNP rs2505497122, ClinGen allele CA392351299.
Genomic context (GRCh38, chr15:48,465,663, plus strand): 5'-CCGGTTGGACAGCGGCACTGGAAACTCCCAAAGGTGTTGATACATTTTCCTCCTTGGCAC[A>T]GCCCTGGTAGCTCCTGGCACTCATCAATATCTATCAAAATCAAAACAAAGGCATTCCTTT-3'
Protein context (NP_000129.3, residues 1606-1626): DIDECQELPG[Leu1616Gln]CQGGKCINTF

ClinVar aggregate classification (germline): Uncertain significance (1 of 4 stars; one submission).

Conditions:
Marfan syndrome (MFS). Also called: MARFAN SYNDROME, TYPE I; Marfan syndrome type 1; Marfan's syndrome; Marfan syndrome, classic; FBN1-Related Marfan Syndrome. Identifiers: Orphanet 284963, Orphanet 558, MedGen C0024796, MONDO:0007947, OMIM 154700.
Familial thoracic aortic aneurysm and aortic dissection (TAAD). Also called: Thoracic aortic aneurysms and dissections. Identifiers: Orphanet 91387, MedGen C4707243, MONDO:0019625.

Submission:

Labcorp Genetics (formerly Invitae), Labcorp
Classification: Uncertain significance for Marfan syndrome; Familial thoracic aortic aneurysm and aortic dissection. Last evaluated: 2023-08-10. Review status: criteria provided, single submitter. Criteria: Invitae Variant Classification Sherloc (09022015). Collection method: clinical testing. Allele origin: germline.
Comment: This sequence change replaces leucine, which is neutral and non-polar, with glutamine, which is neutral and polar, at codon 1616 of the FBN1 protein (p.Leu1616Gln). In summary, the available evidence is currently insufficient to determine the role of this variant in disease. Therefore, it has been classified as a Variant of Uncertain Significance. Advanced modeling of protein sequence and biophysical properties (such as structural, functional, and spatial information, amino acid conservation, physicochemical variation, residue mobility, and thermodynamic stability) performed at Invitae indicates that this missense variant is expected to disrupt FBN1 protein function. This variant has not been reported in the literature in individuals affected with FBN1-related conditions. This variant is not present in population databases (gnomAD no frequency).